The following is an entry in ClinVar:

ClinVar aggregate classification (germline): Likely benign (1 of 4 stars; one submission).

Conditions:
IFT172-related disorder. Also called: IFT172-related condition; IFT172-related disorders.

gnomAD v4.1: 8 of 1,614,134 alleles (0.0005%); highest among the groups gnomAD compares: South Asian, 0.0022%; no homozygotes.

Submission:

PreventionGenetics, part of Exact Sciences
Classification: Likely benign for IFT172-related condition. Last evaluated: 2025-07-16. Review status: criteria provided, single submitter. Criteria: ACMG Guidelines, 2015. Collection method: clinical testing. Allele origin: germline.
Comment: This variant is classified as likely benign based on ACMG/AMP sequence variant interpretation guidelines (Richards et al. 2015 PMID: 25741868, with internal and published modifications).

NM_015662.3(IFT172):c.4665C>T (p.Thr1555=)

Genes: IFT172 (intraflagellar transport 172; minus strand), KRTCAP3 (keratinocyte associated protein 3; plus strand). Cytogenetic location: 2p23.3.
Variant type: single nucleotide variant.
Coding change: c.4665C>T on transcript NM_015662.3 (MANE Select); coding-DNA position 4665, C replaced by T.
Protein change: p.Thr1555=; no amino-acid change (threonine 1555 retained).
Molecular consequence: synonymous variant. On other transcripts: 3 prime UTR variant (1).
Genome position (GRCh38, 1-based): chr2:27,446,350, G>A on the plus strand (C>T on the coding strand, the complement: IFT172 is on the minus strand). VCF-style: chr2-27446350-G-A. GRCh37 (hg19) VCF-style: chr2-27669217-G-A.
Other names: c.*55G>A (NM_001168364.2); c.4599C>T, p.Thr1533= (NM_001410739.1).
Identifiers: ClinVar variation 4988347 (VCV004988347.1).